The following is an entry in ClinVar:

ClinVar aggregate classification (germline): Pathogenic. Review status: criteria provided, multiple submitters, no conflicts (2 of 4 stars). 2 submissions from 2 submitters: Pathogenic (2). Last evaluated 2024-02-04.

Conditions:
Ehlers-Danlos syndrome, kyphoscoliotic type 1 (EDSKSCL1). Also called: Ehlers-Danlos syndrome, hydroxylysine-deficient; EHLERS-DANLOS SYNDROME, OCULAR-SCOLIOTIC TYPE; EHLERS-DANLOS SYNDROME, TYPE VIA; PLOD1-Related Kyphoscoliotic Ehlers-Danlos Syndrome. Identifiers: Orphanet 1900, MedGen C0268342, MONDO:0016002, OMIM 225400. Disease mechanism: loss of function.

Allele frequency attached by ClinVar (database versions not stated): gnomAD exomes below 0.00001.

Submissions (2):

Labcorp Genetics (formerly Invitae), Labcorp
Classification: Pathogenic for Ehlers-Danlos syndrome, kyphoscoliotic type 1. Last evaluated: 2024-02-04. Review status: criteria provided, single submitter. Criteria: Invitae Variant Classification Sherloc (09022015). Collection method: clinical testing. Allele origin: germline.
Comment: This sequence change creates a premature translational stop signal (p.Ile599Leufs*5) in the PLOD1 gene. It is expected to result in an absent or disrupted protein product. Loss-of-function variants in PLOD1 are known to be pathogenic (PMID: 10874315, 21699693). This variant is present in population databases (no rsID available, gnomAD 0.003%). This premature translational stop signal has been observed in individual(s) with clinical features of PLOD1-related conditions (PMID: 25326635). ClinVar contains an entry for this variant (Variation ID: 561086). For these reasons, this variant has been classified as Pathogenic.

Baylor Genetics
Classification: Pathogenic for Ehlers-Danlos syndrome, kyphoscoliotic type 1. Last evaluated: 2017-09-01. Review status: criteria provided, single submitter. Criteria: ACMG Guidelines, 2015. Collection method: clinical testing. Allele origin: paternal. Inheritance: Autosomal recessive inheritance. Affected: yes.

Literature cited by the submitters: PubMed 10874315 (cited by Labcorp Genetics (formerly Invitae), Labcorp); PubMed 21699693 (cited by Labcorp Genetics (formerly Invitae), Labcorp); PubMed 25326635 (cited by Labcorp Genetics (formerly Invitae), Labcorp and Baylor Genetics).

NM_000302.4(PLOD1):c.1795del (p.Ile599fs)

Gene: PLOD1 (procollagen-lysine,2-oxoglutarate 5-dioxygenase 1; plus strand). Cytogenetic location: 1p36.22.
Variant type: Deletion.
Coding change: c.1795del on transcript NM_000302.4 (MANE Select); coding-DNA position 1795, one base deleted (A; older notation c.1795delA).
Protein change: p.Ile599fs; shifts the reading frame from isoleucine 599.
Molecular consequence: frameshift variant.
Genome position (GRCh38, 1-based): chr1:11,970,709, A deleted. VCF-style (leftmost placement, unchanged base first): chr1-11970708-TA-T. GRCh37 (hg19) VCF-style: chr1-12030765-TA-T.
Other names: c.1936del, p.Ile646fs (NM_001316320.2); short protein forms I599fs, I646fs.
Identifiers: ClinVar variation 561086 (VCV000561086.7), dbSNP rs1557500194, ClinGen allele CA521202544.